The following is an entry in ClinVar:

ClinVar aggregate classification (germline): Uncertain significance (1 of 4 stars; one submission).

Conditions:
Gingival disorder. Also called: Gingival disease. Identifiers: MedGen C0017563, MONDO:0002021.

Submission:

Labcorp Genetics (formerly Invitae), Labcorp
Classification: Uncertain significance for Gingival disorder. Last evaluated: 2025-08-18. Review status: criteria provided, single submitter. Criteria: Invitae Variant Classification Sherloc (09022015). Collection method: clinical testing. Allele origin: germline.
Comment: This sequence change replaces glycine, which is neutral and non-polar, with alanine, which is neutral and non-polar, at codon 274 of the FPR1 protein (p.Gly274Ala). This variant is not present in population databases (gnomAD no frequency). This variant has not been reported in the literature in individuals affected with FPR1-related conditions. ClinVar contains an entry for this variant (Variation ID: 1369976). An algorithm developed to predict the effect of missense changes on protein structure and function (PolyPhen-2) suggests that this variant is likely to be tolerated. In summary, the available evidence is currently insufficient to determine the role of this variant in disease. Therefore, it has been classified as a Variant of Uncertain Significance.

NM_002029.4(FPR1):c.821G>C (p.Gly274Ala)

Gene: FPR1 (formyl peptide receptor 1; minus strand). Cytogenetic location: 19q13.41.
Variant type: single nucleotide variant.
Coding change: c.821G>C on transcript NM_002029.4 (MANE Select); coding-DNA position 821, G replaced by C.
Protein change: p.Gly274Ala; replaces glycine 274 with alanine.
Molecular consequence: missense variant.
Genome position (GRCh38, 1-based): chr19:51,746,174, C>G on the plus strand (G>C on the coding strand, the complement: FPR1 is on the minus strand). VCF-style: chr19-51746174-C-G. GRCh37 (hg19) VCF-style: chr19-52249427-C-G.
Other names: c.821G>C, p.Gly274Ala (NM_001193306.2); short protein forms G274A.
Identifiers: ClinVar variation 1369976 (VCV001369976.6), dbSNP rs2122321274, ClinGen allele CA407116357.